The following is an entry in ClinVar:

NM_004612.4(TGFBR1):c.806-14A>G

Gene: TGFBR1 (transforming growth factor beta receptor 1; plus strand). Cytogenetic location: 9q22.33.
Variant type: single nucleotide variant.
Coding change: c.806-14A>G on transcript NM_004612.4 (MANE Select); 14 bases into the intron before coding-DNA position 806, A replaced by G.
Molecular consequence: intron variant.
Genome position (GRCh38, 1-based): chr9:99,142,522, A>G. VCF-style: chr9-99142522-A-G. GRCh37 (hg19) VCF-style: chr9-101904804-A-G.
Other names: c.818-14A>G (NM_001306210.2); c.575-14A>G (NM_001130916.3).
Identifiers: ClinVar variation 1980187 (VCV001980187.5), dbSNP rs1298195371, ClinGen allele CA589361877.
Genomic context (GRCh38, chr9:99,142,522, plus strand): 5'-AAAAGTAATAACCATTGAACAAATAAATCATAAATGGTCTGCAGCCCAACCGAAATGTTA[A>G]TTCTGTTTTACAGACAATGGTACTTGGACTCAGCTCTGGTTGGTGTCAGATTATCATGAG-3'

ClinVar aggregate classification (germline): Uncertain significance. Review status: criteria provided, multiple submitters, no conflicts (2 of 4 stars). 2 submissions from 2 submitters: Uncertain significance (2). Last evaluated 2025-10-15.

Conditions:
Familial thoracic aortic aneurysm and aortic dissection (TAAD). Also called: Thoracic aortic aneurysms and dissections. Identifiers: Orphanet 91387, MedGen C4707243, MONDO:0019625.
Loeys-Dietz syndrome (LDS). Identifiers: Orphanet 60030, MedGen C2697932, MONDO:0018954.

Allele frequency attached by ClinVar (database versions not stated): gnomAD exomes below 0.00001; gnomAD 0.00001.
gnomAD v4.1: 3 of 1,613,982 alleles (0.00019%); highest among the groups gnomAD compares: Admixed American, 0.005%; no homozygotes.

Submissions (2):

Labcorp Genetics (formerly Invitae), Labcorp
Classification: Uncertain significance for Familial thoracic aortic aneurysm and aortic dissection. Last evaluated: 2025-10-15. Review status: criteria provided, single submitter. Criteria: Invitae Variant Classification Sherloc (09022015). Collection method: clinical testing. Allele origin: germline.
Comment: This sequence change falls in intron 4 of the TGFBR1 gene. It does not directly change the encoded amino acid sequence of the TGFBR1 protein. This variant is present in population databases (no rsID available, gnomAD 0.003%). This variant has not been reported in the literature in individuals affected with TGFBR1-related conditions. ClinVar contains an entry for this variant (Variation ID: 1980187). Algorithms developed to predict the effect of sequence changes on RNA splicing suggest that this variant may disrupt the consensus splice site. In summary, the available evidence is currently insufficient to determine the role of this variant in disease. Therefore, it has been classified as a Variant of Uncertain Significance.

All of Us Research Program, National Institutes of Health
Classification: Uncertain significance for Loeys-Dietz syndrome. Last evaluated: 2023-09-17. Review status: criteria provided, single submitter. Criteria: ACMG Guidelines, 2015. Collection method: clinical testing. Allele origin: germline. Inheritance: Autosomal dominant inheritance. Observed: 2 variant alleles, 2 heterozygotes.
Comment: This variant causes an A to G nucleotide substitution at the -14 position of intron 4 of the TGFBR1 gene. Splice site prediction tools predict that this variant may have a significant impact on RNA splicing. To our knowledge, RNA studies have not been reported for this variant. This variant has not been reported in individuals affected with TGFBR1-related disorders in the literature. This variant has been identified in 1/251232 chromosomes in the general population by the Genome Aggregation Database (gnomAD). The available evidence is insufficient to determine the role of this variant in disease conclusively. Therefore, this variant is classified as a Variant of Uncertain Significance.

This study involves interpretation of variants in research participants for the purpose of population health screening. Participant phenotype was not available at the time of variant classification. Additional details can be found in publication PMID: 35346344, PMCID: PMC8962531